The following is an entry in ClinVar:

ClinVar aggregate classification (germline): Uncertain significance. Review status: criteria provided, multiple submitters, no conflicts (2 of 4 stars). 2 submissions from 2 submitters: Uncertain significance (2). Last evaluated 2025-09-11.

Conditions:
Inborn genetic diseases. Identifiers: MedGen C0950123, MeSH D030342.

Allele frequency attached by ClinVar (database versions not stated): gnomAD 0.00004; ExAC 0.00003; gnomAD exomes 0.00003; TOPMed 0.00003.
gnomAD v4.1: 54 of 1,600,100 alleles (0.0034%); highest among the groups gnomAD compares: Non-Finnish European, 0.0045%; no homozygotes.

Submissions (2):

Mayo Clinic Laboratories, Mayo Clinic
Classification: Uncertain significance. Last evaluated: 2025-09-11. Review status: criteria provided, single submitter. Criteria: ACMG Guidelines, 2015. Collection method: clinical testing. Allele origin: germline. Observed: 1 variant allele.
Comment: PP3

Ambry Genetics
Classification: Uncertain significance for Inborn genetic diseases. Last evaluated: 2022-11-09. Review status: criteria provided, single submitter. Criteria: Ambry Variant Classification Scheme 2023. Collection method: clinical testing. Allele origin: germline.

NM_007214.5(SEC63):c.572T>C (p.Leu191Pro)

Gene: SEC63 (SEC63 protein translocation regulator; minus strand). Cytogenetic location: 6q21.
Variant type: single nucleotide variant.
Coding change: c.572T>C on transcript NM_007214.5 (MANE Select); coding-DNA position 572, T replaced by C.
Protein change: p.Leu191Pro; replaces leucine 191 with proline.
Molecular consequence: missense variant.
Genome position (GRCh38, 1-based): chr6:107,912,717, A>G on the plus strand (T>C on the coding strand, the complement: SEC63 is on the minus strand). VCF-style: chr6-107912717-A-G. GRCh37 (hg19) VCF-style: chr6-108233921-A-G.
Other names: p.Leu191Pro; short protein forms L191P.
Identifiers: ClinVar variation 3159400 (VCV003159400.2), dbSNP rs761247892, ClinGen allele CA3947678.